The following is an entry in ClinVar:

ClinVar aggregate classification (germline): Uncertain significance (1 of 4 stars; one submission).

Conditions:
Ataxia-telangiectasia syndrome (AT). Also called: LOUIS-BAR SYNDROME; Cerebello-oculocutaneous telangiectasia; Immunodeficiency with ataxia telangiectasia; Ataxia-telangiectasia, complementation group D; Ataxia-telangiectasia, complementation group E; Ataxia telangiectasia (A-T). Identifiers: Orphanet 100, MedGen C0004135, MONDO:0008840, OMIM 208900.

Submission:

Labcorp Genetics (formerly Invitae), Labcorp
Classification: Uncertain significance for Ataxia-telangiectasia syndrome. Last evaluated: 2023-06-28. Review status: criteria provided, single submitter. Criteria: Invitae Variant Classification Sherloc (09022015). Collection method: clinical testing. Allele origin: germline.
Comment: In summary, the available evidence is currently insufficient to determine the role of this variant in disease. Therefore, it has been classified as a Variant of Uncertain Significance. An algorithm developed to predict the effect of missense changes on protein structure and function (PolyPhen-2) suggests that this variant is likely to be disruptive. This variant has not been reported in the literature in individuals affected with ATM-related conditions. This variant is not present in population databases (gnomAD no frequency). This sequence change replaces leucine, which is neutral and non-polar, with methionine, which is neutral and non-polar, at codon 1651 of the ATM protein (p.Leu1651Met).

NM_000051.4(ATM):c.4951T>A (p.Leu1651Met)

Gene: ATM (ATM serine/threonine kinase; plus strand). Cytogenetic location: 11q22.3.
Variant type: single nucleotide variant.
Coding change: c.4951T>A on transcript NM_000051.4 (MANE Select); coding-DNA position 4951, T replaced by A.
Protein change: p.Leu1651Met; replaces leucine 1651 with methionine.
Molecular consequence: missense variant.
Genome position (GRCh38, 1-based): chr11:108,297,328, T>A. VCF-style: chr11-108297328-T-A. GRCh37 (hg19) VCF-style: chr11-108168055-T-A.
Other names: c.4951T>A, p.Leu1651Met (NM_001351834.2); short protein forms L1651M.
Identifiers: ClinVar variation 3006721 (VCV003006721.3), dbSNP rs2135862393, ClinGen allele CA382538242.
Genomic context (GRCh38, chr11:108,297,328, plus strand): 5'-TTTAAAAAATTATTTCTAGATAATCCGCAAGATGGGATTATGGTGAAACTAGTTGTCAAT[T>A]TGTTGCAGTTATCCAAGATGGCAATAAACCACACTGGTGAAAAAGAAGTTCTAGGTAAAC-3'
Protein context (NP_000042.3, residues 1641-1661): DGIMVKLVVN[Leu1651Met]LQLSKMAINH